The following is an entry in ClinVar:

ClinVar aggregate classification (germline): Uncertain significance (1 of 4 stars; one submission).

gnomAD v4.1: 1 of 1,612,576 alleles (0.000062%); highest among the groups gnomAD compares: Non-Finnish European, 0.000085%; no homozygotes.

Submission:

GeneDx
Classification: Uncertain significance. Last evaluated: 2022-11-04. Review status: criteria provided, single submitter. Criteria: GeneDx Variant Classification Process June 2021. Collection method: clinical testing. Allele origin: germline. Affected: yes.
Comment: Not observed at significant frequency in large population cohorts (gnomAD); In silico analysis supports that this missense variant has a deleterious effect on protein structure/function; Has not been previously published as pathogenic or benign to our knowledge; Occurs in the triple helical domain at the Y position in the canonical Gly-X-Y repeat; although this variant may have an effect on normal protein folding and function, missense substitution at the Y position is not a common mechanism of disease (HGMD)

NM_000089.4(COL1A2):c.1366C>A (p.Pro456Thr)

Gene: COL1A2 (collagen type I alpha 2 chain; plus strand). Cytogenetic location: 7q21.3.
Variant type: single nucleotide variant.
Coding change: c.1366C>A on transcript NM_000089.4 (MANE Select); coding-DNA position 1366, C replaced by A.
Protein change: p.Pro456Thr; replaces proline 456 with threonine.
Molecular consequence: missense variant.
Genome position (GRCh38, 1-based): chr7:94,412,083, C>A. VCF-style: chr7-94412083-C-A. GRCh37 (hg19) VCF-style: chr7-94041395-C-A.
Other names: short protein forms P456T.
Identifiers: ClinVar variation 2501618 (VCV002501618.1), dbSNP rs899057268, ClinGen allele CA368221706.